The following is an entry in ClinVar:

NM_032638.5(GATA2):c.485C>T (p.Thr162Ile)

Gene: GATA2 (GATA binding protein 2; minus strand). Cytogenetic location: 3q21.3.
Variant type: single nucleotide variant.
Coding change: c.485C>T on transcript NM_032638.5 (MANE Select); coding-DNA position 485, C replaced by T.
Protein change: p.Thr162Ile; replaces threonine 162 with isoleucine.
Molecular consequence: missense variant.
Genome position (GRCh38, 1-based): chr3:128,486,113, G>A on the plus strand (C>T on the coding strand, the complement: GATA2 is on the minus strand). VCF-style: chr3-128486113-G-A. GRCh37 (hg19) VCF-style: chr3-128204956-G-A.
Other names: c.485C>T, p.Thr162Ile (NM_001145661.2, NM_001145662.1); short protein forms T162I.
Identifiers: ClinVar variation 2924249 (VCV002924249.4), dbSNP rs1709359876, ClinGen allele CA354406661.

ClinVar aggregate classification (germline): Uncertain significance. Review status: criteria provided, multiple submitters, no conflicts (2 of 4 stars). 2 submissions from 2 submitters: Uncertain significance (2). Last evaluated 2026-07-02.

Conditions:
Deafness-lymphedema-leukemia syndrome. Also called: Emberger syndrome; Lymphedema, primary, with myelodysplasia. Identifiers: Orphanet 3226, MedGen C3279664, MONDO:0013540, OMIM 614038.
Monocytopenia with susceptibility to infections. Also called: MONOCYTOPENIA AND MYCOBACTERIAL INFECTION SYNDROME; MONOCYTOPENIA WITH SUSCEPTIBILITY TO MYCOBACTERIAL, FUNGAL, AND PAPILLOMAVIRUS INFECTIONS AND MYELODYSPLASIA; COMBINED IMMUNODEFICIENCY WITH SUSCEPTIBILITY TO MYCOBACTERIAL, VIRAL, AND FUNGAL INFECTIONS; Dendritic cell, monocyte, B lymphocyte, and natural killer lymphocyte deficiency; GATA2 DEFICIENCY; IMMUNODEFICIENCY 21. Identifiers: Orphanet 228423, MedGen C3280030, MONDO:0013607, OMIM 614172.
Inborn genetic diseases. Identifiers: MedGen C0950123, MeSH D030342.

Allele frequency attached by ClinVar (database versions not stated): gnomAD exomes below 0.00001.
gnomAD v4.1: 1 of 1,612,506 alleles (0.000062%); highest among the groups gnomAD compares: African/African-American, 0.0013%; no homozygotes.

Submissions (2):

Ambry Genetics
Classification: Uncertain significance for Inborn genetic diseases. Last evaluated: 2026-07-02. Review status: criteria provided, single submitter. Criteria: Ambry Variant Classification Scheme 2023. Collection method: clinical testing. Allele origin: germline.
Comment: The p.T162I variant (also known as c.485C>T), located in coding exon 2 of the GATA2 gene, results from a C to T substitution at nucleotide position 485. The threonine at codon 162 is replaced by isoleucine, an amino acid with similar properties. This amino acid position is conserved. In addition, the in silico prediction for this alteration is inconclusive. Based on the available evidence, the clinical significance of this variant remains unclear.

Labcorp Genetics (formerly Invitae), Labcorp
Classification: Uncertain significance for Monocytopenia with susceptibility to infections; Deafness-lymphedema-leukemia syndrome. Last evaluated: 2023-06-25. Review status: criteria provided, single submitter. Criteria: Invitae Variant Classification Sherloc (09022015). Collection method: clinical testing. Allele origin: germline.
Comment: This variant is not present in population databases (gnomAD no frequency). This sequence change replaces threonine, which is neutral and polar, with isoleucine, which is neutral and non-polar, at codon 162 of the GATA2 protein (p.Thr162Ile). This variant has not been reported in the literature in individuals affected with GATA2-related conditions. Advanced modeling of protein sequence and biophysical properties (such as structural, functional, and spatial information, amino acid conservation, physicochemical variation, residue mobility, and thermodynamic stability) performed at Invitae indicates that this missense variant is not expected to disrupt GATA2 protein function. In summary, the available evidence is currently insufficient to determine the role of this variant in disease. Therefore, it has been classified as a Variant of Uncertain Significance.